The following is an entry in ClinVar:

ClinVar aggregate classification (germline): Uncertain significance (1 of 4 stars; one submission).

gnomAD v4.1: 16 of 1,551,216 alleles (0.001%); highest among the groups gnomAD compares: African/African-American, 0.015%; no homozygotes.

Submission:

Women's Health and Genetics/Laboratory Corporation of America, LabCorp
Classification: Uncertain significance. Last evaluated: 2025-04-02. Review status: criteria provided, single submitter. Criteria: LabCorp Variant Classification Summary - May 2015. Collection method: clinical testing. Allele origin: germline.
Comment: Variant summary: RASGRP2 c.1478G>A (p.Gly493Glu) results in a non-conservative amino acid change in the encoded protein sequence. Three of five in-silico tools predict a benign effect of the variant on protein function. The variant allele was found at a frequency of 1e-05 in 1544458 control chromosomes in the gnomAD database (v4.1 dataset). This frequency is not higher than estimated for a pathogenic variant in RASGRP2 causing Platelet-Type Bleeding Disorder 18, allowing no conclusion about variant significance. To our knowledge, no occurrence of c.1478G>A in individuals affected with Platelet-Type Bleeding Disorder 18 and no experimental evidence demonstrating its impact on protein function have been reported. No submitters have cited clinical-significance assessments for this variant to ClinVar. Based on the evidence outlined above, the variant was classified as uncertain significance.

NM_001098671.2(RASGRP2):c.1478G>A (p.Gly493Glu)

Gene: RASGRP2 (RAS guanyl releasing protein 2; minus strand). Cytogenetic location: 11q13.1.
Variant type: single nucleotide variant.
Coding change: c.1478G>A on transcript NM_001098671.2 (MANE Select); coding-DNA position 1478, G replaced by A.
Protein change: p.Gly493Glu; replaces glycine 493 with glutamic acid.
Molecular consequence: missense variant.
Genome position (GRCh38, 1-based): chr11:64,730,129, C>T on the plus strand (G>A on the coding strand, the complement: RASGRP2 is on the minus strand). VCF-style: chr11-64730129-C-T. GRCh37 (hg19) VCF-style: chr11-64497601-C-T.
Other names: c.1478G>A, p.Gly493Glu (NM_001098670.2, NM_153819.2); c.1043G>A, p.Gly348Glu (NM_001318398.2); short protein forms G348E, G493E.
Identifiers: ClinVar variation 3896549 (VCV003896549.2).